The following is an entry in ClinVar:

NM_024408.4(NOTCH2):c.7016T>C (p.Met2339Thr)

Gene: NOTCH2 (notch receptor 2; minus strand). Cytogenetic location: 1p12.
Variant type: single nucleotide variant.
Coding change: c.7016T>C on transcript NM_024408.4 (MANE Select); coding-DNA position 7016, T replaced by C.
Protein change: p.Met2339Thr; replaces methionine 2339 with threonine.
Molecular consequence: missense variant.
Genome position (GRCh38, 1-based): chr1:119,915,706, A>G on the plus strand (T>C on the coding strand, the complement: NOTCH2 is on the minus strand). VCF-style: chr1-119915706-A-G. GRCh37 (hg19) VCF-style: chr1-120458329-A-G.
Other names: short protein forms M2339T.
Identifiers: ClinVar variation 1353734 (VCV001353734.10), dbSNP rs766624616, ClinGen allele CA1039336.

ClinVar aggregate classification (germline): Uncertain significance. Review status: criteria provided, multiple submitters, no conflicts (2 of 4 stars). 2 submissions from 2 submitters: Uncertain significance (2). Last evaluated 2025-09-30.

Conditions:
Hajdu-Cheney syndrome (HJCYS). Also called: ACROOSTEOLYSIS WITH OSTEOPOROSIS AND CHANGES IN SKULL AND MANDIBLE; Acroosteolysis dominant type; SERPENTINE FIBULA-POLYCYSTIC KIDNEY SYNDROME. Identifiers: Orphanet 955, MedGen C0917715, MONDO:0007057, OMIM 102500.
Alagille syndrome due to a NOTCH2 point mutation. Also called: Alagille syndrome 2. Identifiers: Orphanet 261629, Orphanet 52, MedGen C1857761, MONDO:0012439, OMIM 610205.

Allele frequency attached by ClinVar (database versions not stated): gnomAD 0.00001; gnomAD exomes 0.00001 and 0.00002; TOPMed 0.00001; ExAC 0.00003.
gnomAD v4.1: 7 of 1,610,938 alleles (0.00043%); highest among the groups gnomAD compares: Admixed American, 0.012%; no homozygotes.

Submissions (2):

Labcorp Genetics (formerly Invitae), Labcorp
Classification: Uncertain significance for Hajdu-Cheney syndrome. Last evaluated: 2025-09-30. Review status: criteria provided, single submitter. Criteria: Invitae Variant Classification Sherloc (09022015). Collection method: clinical testing. Allele origin: germline.
Comment: This sequence change replaces methionine, which is neutral and non-polar, with threonine, which is neutral and polar, at codon 2339 of the NOTCH2 protein (p.Met2339Thr). This variant is present in population databases (rs766624616, gnomAD 0.01%). This variant has not been reported in the literature in individuals affected with NOTCH2-related conditions. ClinVar contains an entry for this variant (Variation ID: 1353734). Invitae Evidence Modeling of protein sequence and biophysical properties (such as structural, functional, and spatial information, amino acid conservation, physicochemical variation, residue mobility, and thermodynamic stability) indicates that this missense variant is not expected to disrupt NOTCH2 protein function with a negative predictive value of 95%. In summary, the available evidence is currently insufficient to determine the role of this variant in disease. Therefore, it has been classified as a Variant of Uncertain Significance.

Fulgent Genetics
Classification: Uncertain significance for Hajdu-Cheney syndrome; Alagille syndrome due to a NOTCH2 point mutation. Last evaluated: 2024-03-25. Review status: criteria provided, single submitter. Criteria: ACMG Guidelines, 2015. Collection method: clinical testing. Allele origin: germline.